The following is an entry in ClinVar:

NM_001079855.2(GYG2):c.908C>G (p.Ser303Ter)

Gene: GYG2 (glycogenin 2; plus strand). Cytogenetic location: Xp22.33.
Variant type: single nucleotide variant.
Coding change: c.908C>G on transcript NM_001079855.2 (MANE Select); coding-DNA position 908, C replaced by G.
Protein change: p.Ser303Ter; replaces serine 303 with a stop codon.
Molecular consequence: nonsense.
Genome position (GRCh38, 1-based): chrX:2,861,592, C>G. VCF-style: chrX-2861592-C-G. GRCh37 (hg19) VCF-style: chrX-2779633-C-G.
Other names: c.908C>G, p.Ser303Ter (NM_001184702.2); c.1001C>G, p.Ser334Ter (NM_001184703.2, NM_003918.3); c.443C>G, p.Ser148Ter (NM_001184704.2); short protein forms S303*, S148*, S334*.
Identifiers: ClinVar variation 2095195 (VCV002095195.4), dbSNP rs2519376971, ClinGen allele CA412266282.

ClinVar aggregate classification (germline): Uncertain significance (1 of 4 stars; one submission).

Allele frequency attached by ClinVar (database versions not stated): gnomAD exomes below 0.00001.
gnomAD v4.1: 3 of 1,207,872 alleles (0.00025%); highest among the groups gnomAD compares: Non-Finnish European, 0.00034%; no homozygotes.

Submission:

Labcorp Genetics (formerly Invitae), Labcorp
Classification: Uncertain significance. Last evaluated: 2025-05-06. Review status: criteria provided, single submitter. Criteria: Invitae Variant Classification Sherloc (09022015). Collection method: clinical testing. Allele origin: germline.
Comment: This sequence change creates a premature translational stop signal (p.Ser334*) in the GYG2 gene. It is expected to result in an absent or disrupted protein product. However, the current clinical and genetic evidence is not sufficient to establish whether loss-of-function variants in GYG2 cause disease. This variant is not present in population databases (gnomAD no frequency). This variant has not been reported in the literature in individuals affected with GYG2-related conditions. ClinVar contains an entry for this variant (Variation ID: 2095195). In summary, the available evidence is currently insufficient to determine the role of this variant in disease. Therefore, it has been classified as a Variant of Uncertain Significance.